The following is an entry in ClinVar:

ClinVar aggregate classification (germline): Uncertain significance (1 of 4 stars; one submission).

Conditions:
Primary open angle glaucoma (POAG). Also called: OPTN-related open angle glaucoma. Identifiers: MedGen C0339573, MONDO:0100553, OMIM 137760.
Glaucoma 1, open angle, E. Identifiers: MedGen C1842026, MONDO:0007665.
Amyotrophic lateral sclerosis type 12 (ALS12). Also called: AMYOTROPHIC LATERAL SCLEROSIS 12 WITH OR WITHOUT FRONTOTEMPORAL DEMENTIA. Identifiers: Orphanet 803, MedGen C3150692, MONDO:0013264, OMIM 613435.

Submission:

Labcorp Genetics (formerly Invitae), Labcorp
Classification: Uncertain significance for Primary open angle glaucoma; Glaucoma 1, open angle, E; Amyotrophic lateral sclerosis type 12. Last evaluated: 2024-02-14. Review status: criteria provided, single submitter. Criteria: Invitae Variant Classification Sherloc (09022015). Collection method: clinical testing. Allele origin: germline.
Comment: This sequence change replaces glutamic acid, which is acidic and polar, with alanine, which is neutral and non-polar, at codon 123 of the OPTN protein (p.Glu123Ala). This variant is not present in population databases (gnomAD no frequency). This variant has not been reported in the literature in individuals affected with OPTN-related conditions. An algorithm developed to predict the effect of missense changes on protein structure and function (PolyPhen-2) suggests that this variant is likely to be tolerated. In summary, the available evidence is currently insufficient to determine the role of this variant in disease. Therefore, it has been classified as a Variant of Uncertain Significance.

NM_001008212.2(OPTN):c.368A>C (p.Glu123Ala)

Genes: OPTN (optineurin; plus strand), LOC108903148 (10p13 OPTN distal Alu-mediated recombination region; plus strand). Cytogenetic location: 10p13.
Variant type: single nucleotide variant.
Coding change: c.368A>C on transcript NM_001008212.2 (MANE Select); coding-DNA position 368, A replaced by C.
Protein change: p.Glu123Ala; replaces glutamic acid 123 with alanine.
Molecular consequence: missense variant.
Genome position (GRCh38, 1-based): chr10:13,110,475, A>C. VCF-style: chr10-13110475-A-C. GRCh37 (hg19) VCF-style: chr10-13152475-A-C.
Other names: c.368A>C, p.Glu123Ala (NM_001008211.1, NM_001008213.1, NM_021980.4); short protein forms E123A.
Identifiers: ClinVar variation 2952011 (VCV002952011.3), dbSNP rs1016507326, ClinGen allele CA203255277.